The following is an entry in ClinVar:

NM_001364171.2(ODAD1):c.1222C>A (p.Leu408Met)

Gene: ODAD1 (outer dynein arm docking complex subunit 1; minus strand). Cytogenetic location: 19q13.33.
Variant type: single nucleotide variant.
Coding change: c.1222C>A on transcript NM_001364171.2 (MANE Select); coding-DNA position 1222, C replaced by A.
Protein change: p.Leu408Met; replaces leucine 408 with methionine.
Molecular consequence: missense variant.
Genome position (GRCh38, 1-based): chr19:48,302,712, G>T on the plus strand (C>A on the coding strand, the complement: ODAD1 is on the minus strand). VCF-style: chr19-48302712-G-T. GRCh37 (hg19) VCF-style: chr19-48805969-G-T.
Other names: c.1111C>A, p.Leu371Met (NM_144577.4); short protein forms L371M, L408M.
Identifiers: ClinVar variation 291253 (VCV000291253.14), dbSNP rs150271983, ClinGen allele CA9548778.

ClinVar aggregate classification (germline): Conflicting classifications of pathogenicity. Review status: criteria provided, conflicting classifications (1 of 4 stars). 3 submissions from 3 submitters: Uncertain significance (2); Likely benign (1). Last evaluated 2025-01-28.

Conditions:
Primary ciliary dyskinesia. Also called: Ciliary dyskinesia. Identifiers: Orphanet 244, MedGen C0008780, MONDO:0016575, HP:0012265.

Allele frequency attached by ClinVar (database versions not stated): gnomAD exomes 0.00002 and 0.00007; ExAC 0.00010; 1000 Genomes Project 0.00020; gnomAD 0.00020 and 0.00021; TOPMed 0.00024; 1000 Genomes Project 30x 0.00031; ESP Exome Variant Server 0.00062.
gnomAD v4.1: 57 of 1,611,190 alleles (0.0035%); highest among the groups gnomAD compares: African/African-American, 0.071%; no homozygotes.

Submissions (3):

Ambry Genetics
Classification: Likely benign for Primary ciliary dyskinesia. Last evaluated: 2025-01-28. Review status: criteria provided, single submitter. Criteria: Ambry Variant Classification Scheme 2023. Collection method: clinical testing. Allele origin: germline.

Labcorp Genetics (formerly Invitae), Labcorp
Classification: Uncertain significance for Primary ciliary dyskinesia. Last evaluated: 2022-08-19. Review status: criteria provided, single submitter. Criteria: Invitae Variant Classification Sherloc (09022015). Collection method: clinical testing. Allele origin: germline.
Comment: This sequence change replaces leucine, which is neutral and non-polar, with methionine, which is neutral and non-polar, at codon 371 of the CCDC114 protein (p.Leu371Met). This variant is present in population databases (rs150271983, gnomAD 0.1%). This variant has not been reported in the literature in individuals affected with CCDC114-related conditions. ClinVar contains an entry for this variant (Variation ID: 291253). Algorithms developed to predict the effect of missense changes on protein structure and function are either unavailable or do not agree on the potential impact of this missense change (SIFT: "Deleterious"; PolyPhen-2: "Possibly Damaging"; Align-GVGD: "Class C0"). In summary, the available evidence is currently insufficient to determine the role of this variant in disease. Therefore, it has been classified as a Variant of Uncertain Significance.

Eurofins Ntd Llc (ga)
Classification: Uncertain significance. Last evaluated: 2016-09-16. Review status: criteria provided, single submitter. Criteria: EGL Classification Definitions 2015. Collection method: clinical testing. Allele origin: germline. Observed: 1 variant allele, 1 heterozygote.